The following is an entry in ClinVar:

ClinVar aggregate classification (germline): Uncertain significance. Review status: criteria provided, multiple submitters, no conflicts (2 of 4 stars). 3 submissions from 3 submitters: Uncertain significance (3). Last evaluated 2025-07-01.

Conditions:
Cardiomyopathy (CMYO). Also called: Cardiomyopathies. Identifiers: Orphanet 167848, MedGen C0878544, MONDO:0004994, HP:0001638. Inheritance: Various modes of inheritance.
Arrhythmogenic cardiomyopathy with wooly hair and keratoderma. Also called: Arrhythmogenic cardiomyopathy with woolly hair and keratoderma; PALMOPLANTAR KERATODERMA WITH LEFT VENTRICULAR CARDIOMYOPATHY AND WOOLLY HAIR; Dilated cardiomyopathy with woolly hair and keratoderma; Carvajal syndrome. Identifiers: Orphanet 65282, MedGen C1854063, MONDO:0011581, OMIM 605676.

Allele frequency attached by ClinVar (database versions not stated): gnomAD exomes below 0.00001; TOPMed below 0.00001.
gnomAD v4.1: 2 of 1,614,112 alleles (0.00012%); highest among the groups gnomAD compares: Non-Finnish European, 0.00017%; no homozygotes.

Submissions (3):

Color Diagnostics, LLC DBA Color Health
Classification: Uncertain significance for Cardiomyopathy. Last evaluated: 2025-07-01. Review status: criteria provided, single submitter. Criteria: ACMG Guidelines, 2015. Collection method: clinical testing. Allele origin: germline.
Comment: This missense variant replaces threonine with isoleucine at codon 1990 of the DSP protein. Computational prediction suggests that this variant may not impact protein structure and function. To our knowledge, functional studies have not been reported for this variant. This variant has been reported in an individual suspected to be affected with cardiomyopathy or arrhythmia (PMID: 33954932). This variant has not been identified in the general population by the Genome Aggregation Database (gnomAD). The available evidence is insufficient to determine the role of this variant in disease conclusively. Therefore, this variant is classified as a Variant of Uncertain Significance.

All of Us Research Program, National Institutes of Health
Classification: Uncertain significance for Arrhythmogenic cardiomyopathy with wooly hair and keratoderma. Last evaluated: 2023-05-04. Review status: criteria provided, single submitter. Criteria: ACMG Guidelines, 2015. Collection method: clinical testing. Allele origin: germline. Inheritance: Autosomal dominant inheritance. Observed: 1 variant allele, 1 heterozygote.
Comment: This missense variant replaces threonine with isoleucine at codon 1990 of the DSP protein. Computational prediction suggests that this variant may not impact protein structure and function (internally defined REVEL score threshold <= 0.5, PMID: 27666373). To our knowledge, functional studies have not been reported for this variant. This variant has not been reported in individuals affected with DSP-related disorders in the literature. This variant has not been identified in the general population by the Genome Aggregation Database (gnomAD). The available evidence is insufficient to determine the role of this variant in disease conclusively. Therefore, this variant is classified as a Variant of Uncertain Significance.

This study involves interpretation of variants in research participants for the purpose of population health screening. Participant phenotype was not available at the time of variant classification. Additional details can be found in publication PMID: 35346344, PMCID: PMC8962531

GeneDx
Classification: Uncertain significance. Last evaluated: 2022-07-28. Review status: criteria provided, single submitter. Criteria: GeneDx Variant Classification Process June 2021. Collection method: clinical testing. Allele origin: germline. Affected: yes.
Comment: Not observed at significant frequency in large population cohorts (gnomAD); In silico analysis supports that this missense variant has a deleterious effect on protein structure/function; Has not been previously published as pathogenic or benign to our knowledge

Literature cited by the submitters: PubMed 33954932 (cited by Color Diagnostics, LLC DBA Color Health).

NM_004415.4(DSP):c.5969C>T (p.Thr1990Ile)

Gene: DSP (desmoplakin; plus strand). Cytogenetic location: 6p24.3.
Variant type: single nucleotide variant.
Coding change: c.5969C>T on transcript NM_004415.4 (MANE Select); coding-DNA position 5969, C replaced by T.
Protein change: p.Thr1990Ile; replaces threonine 1990 with isoleucine.
Molecular consequence: missense variant.
Genome position (GRCh38, 1-based): chr6:7,583,231, C>T. VCF-style: chr6-7583231-C-T. GRCh37 (hg19) VCF-style: chr6-7583464-C-T.
Other names: c.4172C>T, p.Thr1391Ile (NM_001008844.3); c.4640C>T, p.Thr1547Ile (NM_001319034.2); short protein forms T1391I, T1547I, T1990I.
Identifiers: ClinVar variation 2413111 (VCV002413111.7), dbSNP rs1759508708, ClinGen allele CA362689810.